The following is an entry in ClinVar:

NM_016277.5(RAB23):c.117G>A (p.Lys39=)

Gene: RAB23 (RAB23, member RAS oncogene family; minus strand). Cytogenetic location: 6p11.2.
Variant type: single nucleotide variant.
Coding change: c.117G>A on transcript NM_016277.5 (MANE Select); coding-DNA position 117, G replaced by A.
Protein change: p.Lys39=; no amino-acid change (lysine 39 retained).
Molecular consequence: synonymous variant. On other transcripts: non-coding transcript variant (1).
Genome position (GRCh38, 1-based): chr6:57,210,264, C>T on the plus strand (G>A on the coding strand, the complement: RAB23 is on the minus strand). VCF-style: chr6-57210264-C-T. GRCh37 (hg19) VCF-style: chr6-57075062-C-T.
Other names: c.117G>A, p.Lys39= (NM_001278666.2, NM_001278667.2, NM_001278668.2 and 1 more transcripts); c.117G>A (NM_183227.2).
Identifiers: ClinVar variation 1131345 (VCV001131345.10), dbSNP rs771469793, ClinGen allele CA3873921.

ClinVar aggregate classification (germline): Likely benign. Review status: criteria provided, single submitter (1 of 4 stars). 2 submissions from 2 submitters: Likely benign (1). 1 of the submissions does not count toward it. Last evaluated 2023-09-27.

Conditions:
RAB23-related disorder. Also called: RAB23-related condition.
Carpenter syndrome. Identifiers: Orphanet 65759, MedGen C1275078, MONDO:0019012.

Allele frequency attached by ClinVar (database versions not stated): TOPMed below 0.00001; ExAC 0.00001; gnomAD 0.00001; gnomAD exomes 0.00001.
gnomAD v4.1: 6 of 1,613,928 alleles (0.00037%); highest among the groups gnomAD compares: Non-Finnish European, 0.00051%; no homozygotes.

Submissions (2):

Labcorp Genetics (formerly Invitae), Labcorp
Classification: Likely benign for Carpenter syndrome. Last evaluated: 2023-09-27. Review status: criteria provided, single submitter. Criteria: Invitae Variant Classification Sherloc (09022015). Collection method: clinical testing. Allele origin: germline.

PreventionGenetics, part of Exact Sciences
Classification: Likely benign for RAB23-related condition. Last evaluated: 2021-05-26. Review status: no assertion criteria provided. Collection method: clinical testing. Allele origin: germline. Not counted in ClinVar's aggregate classification.
Comment: This variant is classified as likely benign based on ACMG/AMP sequence variant interpretation guidelines (Richards et al. 2015 PMID: 25741868, with internal and published modifications).